The following is an entry in ClinVar:

ClinVar aggregate classification (germline): Uncertain significance (1 of 4 stars; one submission).

Conditions:
Glycine encephalopathy. Also called: Nonketotic hyperglycinemia; Non-ketotic hyperglycinemia. Identifiers: Orphanet 407, MedGen C0751748, MONDO:0011612, HP:0008288.

Allele frequency attached by ClinVar (database versions not stated): TOPMed below 0.00001; gnomAD 0.00001.

Submission:

Labcorp Genetics (formerly Invitae), Labcorp
Classification: Uncertain significance for Glycine encephalopathy. Last evaluated: 2022-08-01. Review status: criteria provided, single submitter. Criteria: Invitae Variant Classification Sherloc (09022015). Collection method: clinical testing. Allele origin: germline.
Comment: This sequence change falls in intron 5 of the AMT gene. It does not directly change the encoded amino acid sequence of the AMT protein. It affects a nucleotide within the consensus splice site. This variant is not present in population databases (gnomAD no frequency). This variant has not been reported in the literature in individuals affected with AMT-related conditions. Variants that disrupt the consensus splice site are a relatively common cause of aberrant splicing (PMID: 17576681, 9536098). Algorithms developed to predict the effect of sequence changes on RNA splicing suggest that this variant may disrupt the consensus splice site. In summary, the available evidence is currently insufficient to determine the role of this variant in disease. Therefore, it has been classified as a Variant of Uncertain Significance.

Literature cited by the submitters: PubMed 17576681; PubMed 9536098.

NM_000481.4(AMT):c.550+5G>A

Gene: AMT (aminomethyltransferase; minus strand). Cytogenetic location: 3p21.31.
Variant type: single nucleotide variant.
Coding change: c.550+5G>A on transcript NM_000481.4 (MANE Select); 5 bases into the intron after coding-DNA position 550, G replaced by A.
Molecular consequence: intron variant.
Genome position (GRCh38, 1-based): chr3:49,419,705, C>T on the plus strand (G>A on the coding strand, the complement: AMT is on the minus strand). VCF-style: chr3-49419705-C-T. GRCh37 (hg19) VCF-style: chr3-49457138-C-T.
Other names: c.382+5G>A (NM_001164711.2); c.418+5G>A (NM_001164710.2); c.550+5G>A (NM_001164712.2).
Identifiers: ClinVar variation 1983090 (VCV001983090.1), dbSNP rs1416144826, ClinGen allele CA907829361.